The following is an entry in ClinVar:

ClinVar aggregate classification (germline): Uncertain significance (1 of 4 stars; one submission).

Allele frequency attached by ClinVar (database versions not stated): TOPMed below 0.00001.

Submission:

Labcorp Genetics (formerly Invitae), Labcorp
Classification: Uncertain significance. Last evaluated: 2023-12-22. Review status: criteria provided, single submitter. Criteria: Invitae Variant Classification Sherloc (09022015). Collection method: clinical testing. Allele origin: germline.
Comment: This sequence change replaces asparagine, which is neutral and polar, with serine, which is neutral and polar, at codon 287 of the TELO2 protein (p.Asn287Ser). This variant is not present in population databases (gnomAD no frequency). This variant has not been reported in the literature in individuals affected with TELO2-related conditions. Advanced modeling of protein sequence and biophysical properties (such as structural, functional, and spatial information, amino acid conservation, physicochemical variation, residue mobility, and thermodynamic stability) performed at Invitae indicates that this missense variant is not expected to disrupt TELO2 protein function with a negative predictive value of 80%. In summary, the available evidence is currently insufficient to determine the role of this variant in disease. Therefore, it has been classified as a Variant of Uncertain Significance.

NM_016111.4(TELO2):c.860A>G (p.Asn287Ser)

Gene: TELO2 (telomere maintenance 2; plus strand). Cytogenetic location: 16p13.3.
Variant type: single nucleotide variant.
Coding change: c.860A>G on transcript NM_016111.4 (MANE Select); coding-DNA position 860, A replaced by G.
Protein change: p.Asn287Ser; replaces asparagine 287 with serine.
Molecular consequence: missense variant.
Genome position (GRCh38, 1-based): chr16:1,499,260, A>G. VCF-style: chr16-1499260-A-G. GRCh37 (hg19) VCF-style: chr16-1549261-A-G.
Other names: c.860A>G, p.Asn287Ser (NM_001351846.2); short protein forms N287S.
Identifiers: ClinVar variation 2985534 (VCV002985534.1), dbSNP rs2039593628, ClinGen allele CA394209951.